The following is an entry in ClinVar:

NM_006231.4(POLE):c.5497C>T (p.His1833Tyr)

Gene: POLE (DNA polymerase epsilon, catalytic subunit; minus strand). Cytogenetic location: 12q24.33.
Variant type: single nucleotide variant.
Coding change: c.5497C>T on transcript NM_006231.4 (MANE Select); coding-DNA position 5497, C replaced by T.
Protein change: p.His1833Tyr; replaces histidine 1833 with tyrosine.
Molecular consequence: missense variant.
Genome position (GRCh38, 1-based): chr12:132,639,180, G>A on the plus strand (C>T on the coding strand, the complement: POLE is on the minus strand). VCF-style: chr12-132639180-G-A. GRCh37 (hg19) VCF-style: chr12-133215766-G-A.
Other names: c.5497C>T (NM_006231.2); short protein forms H1833Y.
Identifiers: ClinVar variation 864348 (VCV000864348.10), dbSNP rs2042092087, ClinGen allele CA387374649.

ClinVar aggregate classification (germline): Uncertain significance. Review status: criteria provided, multiple submitters, no conflicts (2 of 4 stars). 2 submissions from 2 submitters: Uncertain significance (2). Last evaluated 2025-08-07.

Conditions:
Hereditary cancer-predisposing syndrome. Also called: Hereditary Cancer Syndrome; Tumor predisposition; Neoplastic Syndromes, Hereditary; Hereditary neoplastic syndrome. Identifiers: Orphanet 140162, MedGen C0027672, MeSH D009386, MONDO:0015356.

Submissions (2):

Labcorp Genetics (formerly Invitae), Labcorp
Classification: Uncertain significance. Last evaluated: 2025-08-07. Review status: criteria provided, single submitter. Criteria: Invitae Variant Classification Sherloc (09022015). Collection method: clinical testing. Allele origin: germline.
Comment: This sequence change replaces histidine, which is basic and polar, with tyrosine, which is neutral and polar, at codon 1833 of the POLE protein (p.His1833Tyr). This variant is not present in population databases (gnomAD no frequency). This variant has not been reported in the literature in individuals affected with POLE-related conditions. ClinVar contains an entry for this variant (Variation ID: 864348). Invitae Evidence Modeling of protein sequence and biophysical properties (such as structural, functional, and spatial information, amino acid conservation, physicochemical variation, residue mobility, and thermodynamic stability) indicates that this missense variant is not expected to disrupt POLE protein function with a negative predictive value of 80%. In summary, the available evidence is currently insufficient to determine the role of this variant in disease. Therefore, it has been classified as a Variant of Uncertain Significance.

Ambry Genetics
Classification: Uncertain significance for Hereditary cancer-predisposing syndrome. Last evaluated: 2025-06-01. Review status: criteria provided, single submitter. Criteria: Ambry Variant Classification Scheme 2023. Collection method: clinical testing. Allele origin: germline.
Comment: The p.H1833Y variant (also known as c.5497C>T), located in coding exon 40 of the POLE gene, results from a C to T substitution at nucleotide position 5497. The histidine at codon 1833 is replaced by tyrosine, an amino acid with similar properties. This amino acid position is conserved. In addition, this alteration is predicted to be tolerated by in silico analysis. Based on the available evidence, the clinical significance of this variant remains unclear.